The following is an entry in ClinVar:

ClinVar aggregate classification (germline): Pathogenic (1 of 4 stars; one submission).

Conditions:
Asphyxiating thoracic dystrophy 3. Also called: SHORT-RIB THORACIC DYSPLASIA 3 WITH OR WITHOUT POLYDACTYLY; POLYDACTYLY WITH NEONATAL CHONDRODYSTROPHY, TYPE I; SHORT-RIB THORACIC DYSPLASIA 3/6 WITH POLYDACTYLY, DIGENIC; Short rib polydactyly syndrome 2B; Saldino-Noonan Syndrome. Identifiers: Orphanet 474, Orphanet 93269, Orphanet 93270, Orphanet 93271, MedGen C0036069, MONDO:0013127, OMIM 613091.

Submission:

Myriad Genetics, Inc.
Classification: Pathogenic for Asphyxiating thoracic dystrophy 3. Last evaluated: 2025-07-05. Review status: criteria provided, single submitter. Criteria: Myriad Autosomal Dominant, Autosomal Recessive and X-Linked Classification Criteria (2023). Collection method: clinical testing. Allele origin: unknown.
Comment: NM_001377.2(DYNC2H1):c.6850A>T(K2284*) is expected to be pathogenic in the context of DYNC2H1-related disorders. This variant is predicted to lead to an abnormal or absent protein product due to the creation of a premature termination codon in DYNC2H1, a gene where loss-of-function variants are known to be pathogenic. Please note: this variant was assessed in the context of healthy population screening.

NM_001377.3(DYNC2H1):c.6850A>T (p.Lys2284Ter)

Gene: DYNC2H1 (dynein cytoplasmic 2 heavy chain 1; plus strand). Cytogenetic location: 11q22.3.
Variant type: single nucleotide variant.
Coding change: c.6850A>T on transcript NM_001377.3 (MANE Select); coding-DNA position 6850, A replaced by T.
Protein change: p.Lys2284Ter; replaces lysine 2284 with a stop codon.
Molecular consequence: nonsense.
Genome position (GRCh38, 1-based): chr11:103,186,458, A>T. VCF-style: chr11-103186458-A-T. GRCh37 (hg19) VCF-style: chr11-103057187-A-T.
Other names: c.6850A>T, p.Lys2284Ter (NM_001080463.2); short protein forms K2284*.
Identifiers: ClinVar variation 5014686 (VCV005014686.1).